The following is an entry in ClinVar:

ClinVar aggregate classification (germline): Uncertain significance (1 of 4 stars; one submission).

Allele frequency attached by ClinVar (database versions not stated): gnomAD exomes below 0.00001; TOPMed below 0.00001; ExAC 0.00001.
gnomAD v4.1: 2 of 1,614,208 alleles (0.00012%); highest among the groups gnomAD compares: Non-Finnish European, 0.00017%; no homozygotes.

Submission:

Labcorp Genetics (formerly Invitae), Labcorp
Classification: Uncertain significance. Last evaluated: 2021-07-14. Review status: criteria provided, single submitter. Criteria: Invitae Variant Classification Sherloc (09022015). Collection method: clinical testing. Allele origin: germline.
Comment: This sequence change replaces valine with isoleucine at codon 226 of the POLE protein (p.Val226Ile). The valine residue is highly conserved and there is a small physicochemical difference between valine and isoleucine. This variant is present in population databases (rs765593739, ExAC 0.001%). This variant has not been reported in the literature in individuals affected with POLE-related conditions. Algorithms developed to predict the effect of missense changes on protein structure and function (SIFT, PolyPhen-2, Align-GVGD) all suggest that this variant is likely to be disruptive. In summary, the available evidence is currently insufficient to determine the role of this variant in disease. Therefore, it has been classified as a Variant of Uncertain Significance.

NM_006231.4(POLE):c.676G>A (p.Val226Ile)

Gene: POLE (DNA polymerase epsilon, catalytic subunit; minus strand). Cytogenetic location: 12q24.33.
Variant type: single nucleotide variant.
Coding change: c.676G>A on transcript NM_006231.4 (MANE Select); coding-DNA position 676, G replaced by A.
Protein change: p.Val226Ile; replaces valine 226 with isoleucine.
Molecular consequence: missense variant.
Genome position (GRCh38, 1-based): chr12:132,677,622, C>T on the plus strand (G>A on the coding strand, the complement: POLE is on the minus strand). VCF-style: chr12-132677622-C-T. GRCh37 (hg19) VCF-style: chr12-133254208-C-T.
Other names: short protein forms V226I.
Identifiers: ClinVar variation 1439269 (VCV001439269.8), dbSNP rs765593739, ClinGen allele CA6894242.